The following is an entry in ClinVar:

ClinVar aggregate classification (germline): Uncertain significance. Review status: criteria provided, multiple submitters, no conflicts (2 of 4 stars). 2 submissions from 2 submitters: Uncertain significance (2). Last evaluated 2025-12-22.

Conditions:
Hereditary cancer-predisposing syndrome. Also called: Neoplastic Syndromes, Hereditary; Tumor predisposition; Hereditary Cancer Syndrome; Hereditary neoplastic syndrome. Identifiers: Orphanet 140162, MedGen C0027672, MeSH D009386, MONDO:0015356.
Renal cell carcinoma. Identifiers: Orphanet 217071, MedGen C0007134, MeSH D002292, MONDO:0005086, HP:0005584.

Submissions (2):

Ambry Genetics
Classification: Uncertain significance for Hereditary cancer-predisposing syndrome. Last evaluated: 2025-12-22. Review status: criteria provided, single submitter. Criteria: Ambry Variant Classification Scheme 2023. Collection method: clinical testing. Allele origin: germline.
Comment: The p.S812P variant (also known as c.2434T>C), located in coding exon 10 of the MET gene, results from a T to C substitution at nucleotide position 2434. The serine at codon 812 is replaced by proline, an amino acid with similar properties. This amino acid position is conserved. In addition, this alteration is predicted to be deleterious by in silico analysis. Based on the available evidence, the clinical significance of this variant remains unclear.

Labcorp Genetics (formerly Invitae), Labcorp
Classification: Uncertain significance for Renal cell carcinoma. Last evaluated: 2021-02-12. Review status: criteria provided, single submitter. Criteria: Invitae Variant Classification Sherloc (09022015). Collection method: clinical testing. Allele origin: germline.
Comment: In summary, the available evidence is currently insufficient to determine the role of this variant in disease. Therefore, it has been classified as a Variant of Uncertain Significance. Algorithms developed to predict the effect of missense changes on protein structure and function are either unavailable or do not agree on the potential impact of this missense change (SIFT: "Deleterious"; PolyPhen-2: "Probably Damaging"; Align-GVGD: "Class C0"). This variant has not been reported in the literature in individuals with MET-related conditions. This variant is not present in population databases (ExAC no frequency). This sequence change replaces serine with proline at codon 812 of the MET protein (p.Ser812Pro). The serine residue is moderately conserved and there is a moderate physicochemical difference between serine and proline.

NM_000245.4(MET):c.2380T>C (p.Ser794Pro)

Gene: MET (MET proto-oncogene, receptor tyrosine kinase; plus strand). Cytogenetic location: 7q31.2.
Variant type: single nucleotide variant.
Coding change: c.2380T>C on transcript NM_000245.4 (MANE Select); coding-DNA position 2380, T replaced by C.
Protein change: p.Ser794Pro; replaces serine 794 with proline.
Molecular consequence: missense variant.
Genome position (GRCh38, 1-based): chr7:116,763,065, T>C. VCF-style: chr7-116763065-T-C. GRCh37 (hg19) VCF-style: chr7-116403119-T-C.
Other names: c.2434T>C (NM_001127500.1); c.2434T>C, p.Ser812Pro (NM_001127500.3); c.2380T>C, p.Ser794Pro (NM_001324401.3); c.1090T>C, p.Ser364Pro (NM_001324402.2); short protein forms S364P, S812P, S794P.
Identifiers: ClinVar variation 1439518 (VCV001439518.10), dbSNP rs2116953849, ClinGen allele CA368982867.